The following is an entry in ClinVar:

ClinVar aggregate classification (germline): Uncertain significance (1 of 4 stars; one submission).

Allele frequency attached by ClinVar (database versions not stated): ExAC 0.00002; gnomAD 0.00002; gnomAD exomes below 0.00001; TOPMed 0.00004.
gnomAD v4.1: 9 of 1,614,084 alleles (0.00056%); highest among the groups gnomAD compares: African/African-American, 0.011%; no homozygotes.

Submission:

Labcorp Genetics (formerly Invitae), Labcorp
Classification: Uncertain significance. Last evaluated: 2023-01-20. Review status: criteria provided, single submitter. Criteria: Invitae Variant Classification Sherloc (09022015). Collection method: clinical testing. Allele origin: germline.
Comment: In summary, the available evidence is currently insufficient to determine the role of this variant in disease. Therefore, it has been classified as a Variant of Uncertain Significance. Advanced modeling of protein sequence and biophysical properties (such as structural, functional, and spatial information, amino acid conservation, physicochemical variation, residue mobility, and thermodynamic stability) performed at Invitae indicates that this missense variant is not expected to disrupt RP1L1 protein function. This variant has not been reported in the literature in individuals affected with RP1L1-related conditions. The frequency data for this variant in the population databases is considered unreliable, as metrics indicate poor data quality at this position in the gnomAD database. This sequence change replaces serine, which is neutral and polar, with threonine, which is neutral and polar, at codon 200 of the RP1L1 protein (p.Ser200Thr).

NM_178857.6(RP1L1):c.599G>C (p.Ser200Thr)

Gene: RP1L1 (RP1 like 1). Cytogenetic location: 8p23.1.
Variant type: single nucleotide variant.
Coding change: c.599G>C on transcript NM_178857.6 (MANE Select); coding-DNA position 599, G replaced by C.
Protein change: p.Ser200Thr; replaces serine 200 with threonine.
Molecular consequence: missense variant.
Genome position (GRCh38, 1-based): chr8:10,622,603, C>G on the plus strand (G>C on the coding strand, the complement: RP1L1 is on the minus strand). VCF-style: chr8-10622603-C-G. GRCh37 (hg19) VCF-style: chr8-10480113-C-G.
Other names: short protein forms S200T.
Identifiers: ClinVar variation 2141656 (VCV002141656.4), dbSNP rs754622612, ClinGen allele CA4625630.